The following is an entry in ClinVar:

NM_001744.6(CAMK4):c.536C>T (p.Ala179Val)

Gene: CAMK4 (calcium/calmodulin dependent protein kinase IV; plus strand). Cytogenetic location: 5q22.1.
Variant type: single nucleotide variant.
Coding change: c.536C>T on transcript NM_001744.6 (MANE Select); coding-DNA position 536, C replaced by T.
Protein change: p.Ala179Val; replaces alanine 179 with valine.
Molecular consequence: missense variant. On other transcripts: 5 prime UTR variant (2).
Genome position (GRCh38, 1-based): chr5:111,446,762, C>T. VCF-style: chr5-111446762-C-T. GRCh37 (hg19) VCF-style: chr5-110782460-C-T.
Other names: c.536C>T, p.Ala179Val (NM_001323374.2, NM_001323375.2); c.-56C>T (NM_001323376.2, NM_001323377.2); short protein forms A179V.
Identifiers: ClinVar variation 3360707 (VCV003360707.2).
Genomic context (GRCh38, chr5:111,446,762, plus strand): 5'-GGATTGTCCATCGTGATCTCAAACCAGAGAATCTTCTTTATGCAACTCCAGCCCCAGATG[C>T]ACCACTCAAAATCGGTGAGAACATTTCTTCTTGTTTTGTGACCCCTTTTTTCAGAGCAGA-3'
Protein context (NP_001735.1, residues 169-189): NLLYATPAPD[Ala179Val]PLKIADFGLS

ClinVar aggregate classification (germline): Uncertain significance (1 of 4 stars; one submission).

Submission:

GeneDx
Classification: Uncertain significance. Last evaluated: 2025-03-22. Review status: criteria provided, single submitter. Criteria: GeneDx Variant Classification Process June 2021. Collection method: clinical testing. Allele origin: germline.
Comment: Not observed at significant frequency in large population cohorts (gnomAD); In silico analysis supports that this missense variant has a deleterious effect on protein structure/function; Has not been previously published as pathogenic or benign to our knowledge